The following is an entry in ClinVar:

NM_003079.5(SMARCE1):c.1162G>A (p.Gly388Ser)

Gene: SMARCE1 (SWI/SNF related BAF chromatin remodeling complex subunit E1; minus strand). Cytogenetic location: 17q21.2.
Variant type: single nucleotide variant.
Coding change: c.1162G>A on transcript NM_003079.5 (MANE Select); coding-DNA position 1162, G replaced by A.
Protein change: p.Gly388Ser; replaces glycine 388 with serine.
Molecular consequence: missense variant.
Genome position (GRCh38, 1-based): chr17:40,628,859, C>T on the plus strand (G>A on the coding strand, the complement: SMARCE1 is on the minus strand). VCF-style: chr17-40628859-C-T. GRCh37 (hg19) VCF-style: chr17-38785111-C-T.
Other names: short protein forms G388S.
Identifiers: ClinVar variation 5029966 (VCV005029966.1).

ClinVar aggregate classification (germline): Uncertain significance (1 of 4 stars; one submission).

Conditions:
Hereditary cancer-predisposing syndrome. Also called: Neoplastic Syndromes, Hereditary; Tumor predisposition; Hereditary neoplastic syndrome; Hereditary Cancer Syndrome. Identifiers: Orphanet 140162, MedGen C0027672, MeSH D009386, MONDO:0015356.

Submission:

Ambry Genetics
Classification: Uncertain significance for Hereditary cancer-predisposing syndrome. Last evaluated: 2026-07-04. Review status: criteria provided, single submitter. Criteria: Ambry Variant Classification Scheme 2023. Collection method: clinical testing. Allele origin: germline.
Comment: The p.G388S variant (also known as c.1162G>A), located in coding exon 10 of the SMARCE1 gene, results from a G to A substitution at nucleotide position 1162. The glycine at codon 388 is replaced by serine, an amino acid with similar properties. This amino acid position is conserved. In addition, this alteration is predicted to be tolerated by in silico analysis. Based on the available evidence, the clinical significance of this variant remains unclear.